The following is an entry in ClinVar:

ClinVar aggregate classification (germline): Conflicting classifications of pathogenicity. Review status: criteria provided, conflicting classifications (1 of 4 stars). 3 submissions from 3 submitters: Pathogenic (2); Uncertain significance (1). Last evaluated 2026-03-25.

Conditions:
Biotinidase deficiency. Also called: BTD deficiency; Late-onset biotin-responsive multiple carboxylase deficiency; Biotin deficiency. Identifiers: Orphanet 79241, MedGen C0220754, MONDO:0009665, OMIM 253260.

Submissions (3):

Myriad Genetics, Inc.
Classification: Uncertain significance for Biotinidase deficiency. Last evaluated: 2026-03-25. Review status: criteria provided, single submitter. Criteria: Myriad Autosomal Dominant, Autosomal Recessive and X-Linked Classification Criteria (2023). Collection method: clinical testing. Allele origin: unknown.
Comment: NM_000060.2(BTD):c.192G>C(E64D) is a missense variant classified as a variant of uncertain significance in the context of biotinidase deficiency. E64D has been observed in a case with relevant disease (PMID: 26810761). Relevant functional assessments of this variant are not available in the literature. E64D has not been observed in referenced population frequency databases. In summary, there is insufficient evidence to classify NM_000060.2(BTD):c.192G>C(E64D) as pathogenic or benign. Please note: this variant was assessed in the context of healthy population screening.

Labcorp Genetics (formerly Invitae), Labcorp
Classification: Pathogenic for Biotinidase deficiency. Last evaluated: 2024-03-15. Review status: criteria provided, single submitter. Criteria: Invitae Variant Classification Sherloc (09022015). Collection method: clinical testing. Allele origin: germline.
Comment: This sequence change replaces glutamic acid, which is acidic and polar, with aspartic acid, which is acidic and polar, at codon 64 of the BTD protein (p.Glu64Asp). This variant is not present in population databases (gnomAD no frequency). This missense change has been observed in individual(s) with biotinidase deficiency (PMID: 26810761; Invitae). ClinVar contains an entry for this variant (Variation ID: 38574). Advanced modeling of protein sequence and biophysical properties (such as structural, functional, and spatial information, amino acid conservation, physicochemical variation, residue mobility, and thermodynamic stability) performed at Invitae indicates that this missense variant is expected to disrupt BTD protein function with a positive predictive value of 95%. This variant disrupts the p.Glu64 amino acid residue in BTD. Other variant(s) that disrupt this residue have been observed in individuals with BTD-related conditions (PMID: 12359137), which suggests that this may be a clinically significant amino acid residue. For these reasons, this variant has been classified as Pathogenic.

ARUP Laboratories, Molecular Genetics and Genomics, ARUP Laboratories
Classification: Pathogenic. Last evaluated: 2017-01-13. Review status: criteria provided, single submitter. Criteria: ARUP Molecular Germline Variant Investigation Process. Collection method: clinical testing. Allele origin: germline.

Literature cited by the submitters: PubMed 26810761 (cited by Myriad Genetics, Inc. and Labcorp Genetics (formerly Invitae), Labcorp); PubMed 12359137 (cited by Labcorp Genetics (formerly Invitae), Labcorp).

NM_001370658.1(BTD):c.132G>C (p.Glu44Asp)

Gene: BTD (biotinidase; plus strand). Cytogenetic location: 3p25.1.
Variant type: single nucleotide variant.
Coding change: c.132G>C on transcript NM_001370658.1 (MANE Select); coding-DNA position 132, G replaced by C.
Protein change: p.Glu44Asp; replaces glutamic acid 44 with aspartic acid.
Molecular consequence: missense variant.
Genome position (GRCh38, 1-based): chr3:15,635,571, G>C. VCF-style: chr3-15635571-G-C. GRCh37 (hg19) VCF-style: chr3-15677078-G-C.
Other names: E64D; c.192G>C, p.Glu64Asp (NM_000060.4); c.132G>C, p.Glu44Asp (NM_001281723.4, NM_001281724.3, NM_001281725.3 and 37 more transcripts); short protein forms E44D.
Identifiers: ClinVar variation 38574 (VCV000038574.16), dbSNP rs397514436, ClinGen allele CA278386.